The following is an entry in ClinVar:

ClinVar aggregate classification (germline): Uncertain significance. Review status: criteria provided, multiple submitters, no conflicts (2 of 4 stars). 2 submissions from 2 submitters: Uncertain significance (2). Last evaluated 2025-12-05.

Conditions:
Inborn genetic diseases. Identifiers: MedGen C0950123, MeSH D030342.

gnomAD v4.1: 1 of 1,612,134 alleles (0.000062%); highest among the groups gnomAD compares: Non-Finnish European, 0.000085%; no homozygotes.

Submissions (2):

Women's Health and Genetics/Laboratory Corporation of America, LabCorp
Classification: Uncertain significance. Last evaluated: 2025-12-05. Review status: criteria provided, single submitter. Criteria: LabCorp Variant Classification Summary - May 2015. Collection method: clinical testing. Allele origin: germline.
Comment: Variant summary: TRIO c.8695G>C (p.Val2899Leu) results in a conservative amino acid change located in the Protein kinase domain (IPR000719) of the encoded protein sequence. Algorithms developed to predict the effect of missense changes on protein structure and function are either unavailable or do not agree on the potential impact of this missense change. The variant allele was found at a frequency of 4e-06 in 250630 control chromosomes. The available data on variant occurrences in the general population are insufficient to allow any conclusion about variant significance. To our knowledge, no occurrence of c.8695G>C in individuals affected with TRIO-related conditions and no experimental evidence demonstrating its impact on protein function have been reported. ClinVar contains an entry for this variant (Variation ID: 3973807). Based on the evidence outlined above, the variant was classified as uncertain significance.

Ambry Genetics
Classification: Uncertain significance for Inborn genetic diseases. Last evaluated: 2025-04-04. Review status: criteria provided, single submitter. Criteria: Ambry Variant Classification Scheme 2023. Collection method: clinical testing. Allele origin: germline.

NM_007118.4(TRIO):c.8695G>C (p.Val2899Leu)

Gene: TRIO (trio Rho guanine nucleotide exchange factor; plus strand). Cytogenetic location: 5p15.2.
Variant type: single nucleotide variant.
Coding change: c.8695G>C on transcript NM_007118.4 (MANE Select); coding-DNA position 8695, G replaced by C.
Protein change: p.Val2899Leu; replaces valine 2899 with leucine.
Molecular consequence: missense variant. On other transcripts: non-coding transcript variant (1).
Genome position (GRCh38, 1-based): chr5:14,507,204, G>C. VCF-style: chr5-14507204-G-C. GRCh37 (hg19) VCF-style: chr5-14507313-G-C.
Other names: short protein forms V2899L.
Identifiers: ClinVar variation 3973807 (VCV003973807.2).